The following is an entry in ClinVar:

GRCh38/hg38 7q22.1(chr7:101337416-101483054)x3

Genes: COL26A1 (collagen type XXVI alpha 1 chain; plus strand), LOC121175355 (Sharpr-MPRA regulatory region 586; plus strand), LOC129999010 (ATAC-STARR-seq lymphoblastoid silent region 18484; plus strand). Cytogenetic location: 7q22.1.
Variant type: copy number gain.
Change: copy number 3 (three copies instead of two) of chr7:101,337,416-101,483,054 (145.6 kb, GRCh38 coordinates, 1-based), cytogenetic band 7q22.1.
Identifiers: ClinVar variation 145884 (VCV000145884.1).

ClinVar aggregate classification (germline): Benign/Likely benign (0 of 4 stars; one submission).

Submission:

GeneDx
Classification: Benign/Likely benign. Last evaluated: 2011-04-30. Review status: no assertion criteria provided. Collection method: clinical testing. Allele origin: not provided. Affected: yes. Observed: 2 variant alleles.
Comment: Likely benign (1), Benign (1)